The following is an entry in ClinVar:

ClinVar aggregate classification (germline): Uncertain significance. Review status: criteria provided, multiple submitters, no conflicts (2 of 4 stars). 2 submissions from 2 submitters: Uncertain significance (2). Last evaluated 2026-08-31.

Conditions:
Hereditary cancer-predisposing syndrome. Also called: Hereditary neoplastic syndrome; Neoplastic Syndromes, Hereditary; Tumor predisposition; Hereditary Cancer Syndrome. Identifiers: Orphanet 140162, MedGen C0027672, MeSH D009386, MONDO:0015356.
Birt-Hogg-Dube syndrome. Also called: Birt Hogg Dubé syndrome. Identifiers: Orphanet 122, MedGen C0346010, MONDO:0800444.

Allele frequency attached by ClinVar (database versions not stated): gnomAD exomes below 0.00001.

Submissions (2):

Ambry Genetics
Classification: Uncertain significance for Hereditary cancer-predisposing syndrome. Last evaluated: 2026-08-31. Review status: criteria provided, single submitter. Criteria: Ambry Variant Classification Scheme 2023. Collection method: clinical testing. Allele origin: germline.
Comment: The p.M566V variant (also known as c.1696A>G), located in coding exon 11 of the FLCN gene, results from an A to G substitution at nucleotide position 1696. The methionine at codon 566 is replaced by valine, an amino acid with highly similar properties. This amino acid position is conserved. In addition, this alteration is predicted to be deleterious by in silico analysis. Based on the available evidence, the clinical significance of this variant remains unclear.

Labcorp Genetics (formerly Invitae), Labcorp
Classification: Uncertain significance for Birt-Hogg-Dube syndrome. Last evaluated: 2021-12-29. Review status: criteria provided, single submitter. Criteria: Invitae Variant Classification Sherloc (09022015). Collection method: clinical testing. Allele origin: germline.
Comment: In summary, the available evidence is currently insufficient to determine the role of this variant in disease. Therefore, it has been classified as a Variant of Uncertain Significance. Algorithms developed to predict the effect of missense changes on protein structure and function are either unavailable or do not agree on the potential impact of this missense change (SIFT: "Deleterious"; PolyPhen-2: "Benign"; Align-GVGD: "Class C0"). This variant has not been reported in the literature in individuals affected with FLCN-related conditions. This variant is not present in population databases (gnomAD no frequency). This sequence change replaces methionine, which is neutral and non-polar, with valine, which is neutral and non-polar, at codon 566 of the FLCN protein (p.Met566Val).

NM_144997.7(FLCN):c.1696A>G (p.Met566Val)

Gene: FLCN (folliculin; minus strand). Cytogenetic location: 17p11.2.
Variant type: single nucleotide variant.
Coding change: c.1696A>G on transcript NM_144997.7 (MANE Select); coding-DNA position 1696, A replaced by G.
Protein change: p.Met566Val; replaces methionine 566 with valine.
Molecular consequence: missense variant.
Genome position (GRCh38, 1-based): chr17:17,213,699, T>C on the plus strand (A>G on the coding strand, the complement: FLCN is on the minus strand). VCF-style: chr17-17213699-T-C. GRCh37 (hg19) VCF-style: chr17-17117013-T-C.
Other names: c.1750A>G, p.Met584Val (NM_001353229.2); c.1696A>G, p.Met566Val (NM_001353230.2, NM_001353231.2); short protein forms M584V, M566V.
Identifiers: ClinVar variation 1970227 (VCV001970227.6), dbSNP rs2544121910, ClinGen allele CA398529830.